The following is an entry in ClinVar:

NM_001734.5(C1S):c.1349C>T (p.Pro450Leu)

Gene: C1S (complement C1s; plus strand). Cytogenetic location: 12p13.31.
Variant type: single nucleotide variant.
Coding change: c.1349C>T on transcript NM_001734.5 (MANE Select); coding-DNA position 1349, C replaced by T.
Protein change: p.Pro450Leu; replaces proline 450 with leucine.
Molecular consequence: missense variant.
Genome position (GRCh38, 1-based): chr12:7,069,933, C>T. VCF-style: chr12-7069933-C-T. GRCh37 (hg19) VCF-style: chr12-7177237-C-T.
Other names: c.848C>T, p.Pro283Leu (NM_001346850.2); c.1349C>T, p.Pro450Leu (NM_201442.4); short protein forms P450L, P283L.
Identifiers: ClinVar variation 4746524 (VCV004746524.1).
Genomic context (GRCh38, chr12:7,069,933, plus strand): 5'-AACCCTTTGAAGAAAAACAGAGGATAATTGGAGGATCCGATGCAGATATTAAAAACTTCC[C>T]CTGGCAAGTCTTCTTTGACAACCCATGGGCTGGTGGAGCGCTCATTAATGAGTACTGGGT-3'
Protein context (NP_001725.1, residues 440-460): GGSDADIKNF[Pro450Leu]WQVFFDNPWA

ClinVar aggregate classification (germline): Uncertain significance (1 of 4 stars; one submission).

gnomAD v4.1: 3 of 1,614,126 alleles (0.00019%); highest among the groups gnomAD compares: Non-Finnish European, 0.00025%; no homozygotes.

Submission:

Labcorp Genetics (formerly Invitae), Labcorp
Classification: Uncertain significance. Last evaluated: 2025-06-02. Review status: criteria provided, single submitter. Criteria: Invitae Variant Classification Sherloc (09022015). Collection method: clinical testing. Allele origin: germline.
Comment: This sequence change replaces proline, which is neutral and non-polar, with leucine, which is neutral and non-polar, at codon 450 of the C1S protein (p.Pro450Leu). This variant is not present in population databases (gnomAD no frequency). This variant has not been reported in the literature in individuals affected with C1S-related conditions. Invitae Evidence Modeling of protein sequence and biophysical properties (such as structural, functional, and spatial information, amino acid conservation, physicochemical variation, residue mobility, and thermodynamic stability) indicates that this missense variant is expected to disrupt C1S protein function with a positive predictive value of 80%. In summary, the available evidence is currently insufficient to determine the role of this variant in disease. Therefore, it has been classified as a Variant of Uncertain Significance.